The following is an entry in ClinVar:

ClinVar aggregate classification (germline): Benign (1 of 4 stars; one submission).

Allele frequency attached by ClinVar (database versions not stated): 1000 Genomes Project 30x 0.13866; 1000 Genomes Project 0.14317; gnomAD 0.16149 and 0.16198; TOPMed 0.16496.
gnomAD v4.1: 24,652 of 151,600 alleles (16%); highest among the groups gnomAD compares: Admixed American, 24%; 2,292 homozygotes.

Submission:

GeneDx
Classification: Benign. Last evaluated: 2018-06-14. Review status: criteria provided, single submitter. Criteria: GeneDx Variant Classification (06012015). Collection method: clinical testing. Allele origin: germline. Affected: yes.
Comment: This variant is considered likely benign or benign based on one or more of the following criteria: it is a conservative change, it occurs at a poorly conserved position in the protein, it is predicted to be benign by multiple in silico algorithms, and/or has population frequency not consistent with disease.

NM_012414.4(RAB3GAP2):c.304+330A>G

Gene: RAB3GAP2 (RAB3 GTPase activating non-catalytic protein subunit 2; minus strand). Cytogenetic location: 1q41.
Variant type: single nucleotide variant.
Coding change: c.304+330A>G on transcript NM_012414.4 (MANE Select); 330 bases into the intron after coding-DNA position 304, A replaced by G.
Molecular consequence: intron variant.
Genome position (GRCh38, 1-based): chr1:220,213,526, T>C on the plus strand (A>G on the coding strand, the complement: RAB3GAP2 is on the minus strand). VCF-style: chr1-220213526-T-C. GRCh37 (hg19) VCF-style: chr1-220386868-T-C.
Identifiers: ClinVar variation 680735 (VCV000680735.1), dbSNP rs57557703, ClinGen allele CA37951868.